The following is an entry in ClinVar:

NM_001440.4(EXTL3):c.1970A>G (p.Asn657Ser)

Gene: EXTL3 (exostosin like glycosyltransferase 3; plus strand). Cytogenetic location: 8p21.1.
Variant type: single nucleotide variant.
Coding change: c.1970A>G on transcript NM_001440.4 (MANE Select); coding-DNA position 1970, A replaced by G.
Protein change: p.Asn657Ser; replaces asparagine 657 with serine.
Molecular consequence: missense variant.
Genome position (GRCh38, 1-based): chr8:28,718,029, A>G. VCF-style: chr8-28718029-A-G. GRCh37 (hg19) VCF-style: chr8-28575546-A-G.
Other names: short protein forms N657S.
Identifiers: ClinVar variation 417795 (VCV000417795.7), dbSNP rs770842408, ClinGen allele CA4696317.

ClinVar aggregate classification (germline): Uncertain significance. Review status: criteria provided, multiple submitters, no conflicts (2 of 4 stars). 3 submissions from 3 submitters: Uncertain significance (2). 1 of the submissions does not count toward it. Last evaluated 2025-01-22.

Conditions:
Immunoskeletal dysplasia with neurodevelopmental abnormalities (ISDNA). Identifiers: MedGen C4479452, MONDO:0044312, OMIM 617425.

Allele frequency attached by ClinVar (database versions not stated): gnomAD 0.00002 and 0.00003; gnomAD exomes 0.00006; ExAC 0.00006; TOPMed 0.00004.
gnomAD v4.1: 83 of 1,613,492 alleles (0.0051%); highest among the groups gnomAD compares: Middle Eastern, 0.033%; no homozygotes.

Submissions (3):

GeneDx
Classification: Uncertain significance. Last evaluated: 2025-01-22. Review status: criteria provided, single submitter. Criteria: GeneDx Variant Classification Process June 2021. Collection method: clinical testing. Allele origin: germline. Affected: yes.
Comment: In silico analysis supports that this missense variant has a deleterious effect on protein structure/function; This variant is associated with the following publications: (PMID: 34426522, 31589614, 28132690, 35676258, 38010033)

Labcorp Genetics (formerly Invitae), Labcorp
Classification: Uncertain significance. Last evaluated: 2023-12-11. Review status: criteria provided, single submitter. Criteria: Invitae Variant Classification Sherloc (09022015). Collection method: clinical testing. Allele origin: germline.
Comment: This sequence change replaces asparagine, which is neutral and polar, with serine, which is neutral and polar, at codon 657 of the EXTL3 protein (p.Asn657Ser). This variant is present in population databases (rs770842408, gnomAD 0.03%). This missense change has been observed in individual(s) with EXTL3 deficiency (PMID: 28132690). It has also been observed to segregate with disease in related individuals. ClinVar contains an entry for this variant (Variation ID: 417795). Advanced modeling of protein sequence and biophysical properties (such as structural, functional, and spatial information, amino acid conservation, physicochemical variation, residue mobility, and thermodynamic stability) has been performed at Invitae for this missense variant, however the output from this modeling did not meet the statistical confidence thresholds required to predict the impact of this variant on EXTL3 protein function. In summary, the available evidence is currently insufficient to determine the role of this variant in disease. Therefore, it has been classified as a Variant of Uncertain Significance.

OMIM
Classification: Pathogenic for IMMUNOSKELETAL DYSPLASIA WITH NEURODEVELOPMENTAL ABNORMALITIES. Last evaluated: 2017-04-05. Review status: no assertion criteria provided. Collection method: literature only. Allele origin: germline. Not counted in ClinVar's aggregate classification.

Literature cited by the submitters: PubMed 28132690 (cited by Labcorp Genetics (formerly Invitae), Labcorp and OMIM).